The following is an entry in ClinVar:

NM_002788.4(PSMA3):c.704A>C (p.Glu235Ala)

Genes: PSMA3 (proteasome 20S subunit alpha 3; plus strand), PSMA3-AS1 (PSMA3 antisense RNA 1; minus strand). Cytogenetic location: 14q23.1.
Variant type: single nucleotide variant.
Coding change: c.704A>C on transcript NM_002788.4 (MANE Select); coding-DNA position 704, A replaced by C.
Protein change: p.Glu235Ala; replaces glutamic acid 235 with alanine.
Molecular consequence: missense variant. On other transcripts: non-coding transcript variant (1).
Genome position (GRCh38, 1-based): chr14:58,270,979, A>C. VCF-style: chr14-58270979-A-C. GRCh37 (hg19) VCF-style: chr14-58737697-A-C.
Other names: c.704A>C (NM_002788.3); c.683A>C, p.Glu228Ala (NM_152132.3); short protein forms E235A, E228A.
Identifiers: ClinVar variation 1356801 (VCV001356801.7), dbSNP rs139132472, ClinGen allele CA7203902.

ClinVar aggregate classification (germline): Uncertain significance. Review status: criteria provided, multiple submitters, no conflicts (2 of 4 stars). 2 submissions from 2 submitters: Uncertain significance (2). Last evaluated 2024-11-21.

Allele frequency attached by ClinVar (database versions not stated): gnomAD exomes 0.00008 and 0.00019; gnomAD 0.00012 and 0.00013; TOPMed 0.00012; ESP Exome Variant Server 0.00023.

Submissions (2):

Labcorp Genetics (formerly Invitae), Labcorp
Classification: Uncertain significance. Last evaluated: 2024-11-21. Review status: criteria provided, single submitter. Criteria: Invitae Variant Classification Sherloc (09022015). Collection method: clinical testing. Allele origin: germline.
Comment: This sequence change replaces glutamic acid, which is acidic and polar, with alanine, which is neutral and non-polar, at codon 235 of the PSMA3 protein (p.Glu235Ala). This variant is present in population databases (rs139132472, gnomAD 0.01%). This variant has not been reported in the literature in individuals affected with PSMA3-related conditions. ClinVar contains an entry for this variant (Variation ID: 1356801). An algorithm developed to predict the effect of missense changes on protein structure and function (PolyPhen-2) suggests that this variant is likely to be tolerated. In summary, the available evidence is currently insufficient to determine the role of this variant in disease. Therefore, it has been classified as a Variant of Uncertain Significance.

Ambry Genetics
Classification: Uncertain significance. Last evaluated: 2024-07-10. Review status: criteria provided, single submitter. Criteria: Ambry Variant Classification Scheme 2023. Collection method: clinical testing. Allele origin: germline.